The following is an entry in ClinVar:

ClinVar aggregate classification (germline): Uncertain significance (1 of 4 stars; one submission).

Conditions:
Familial cancer of breast. Also called: Hereditary breast cancer; BREAST CANCER, FAMILIAL; hereditary breast carcinoma. Identifiers: Orphanet 227535, MedGen C0346153, MONDO:0016419, OMIM 114480. Disease mechanism: loss of function.

Submission:

Labcorp Genetics (formerly Invitae), Labcorp
Classification: Uncertain significance for Familial cancer of breast. Last evaluated: 2023-10-13. Review status: criteria provided, single submitter. Criteria: Invitae Variant Classification Sherloc (09022015). Collection method: clinical testing. Allele origin: germline.
Comment: This sequence change replaces glycine, which is neutral and non-polar, with alanine, which is neutral and non-polar, at codon 373 of the BARD1 protein (p.Gly373Ala). This variant is not present in population databases (gnomAD no frequency). This variant has not been reported in the literature in individuals affected with BARD1-related conditions. ClinVar contains an entry for this variant (Variation ID: 2133853). An algorithm developed to predict the effect of missense changes on protein structure and function (PolyPhen-2) suggests that this variant is likely to be tolerated. In summary, the available evidence is currently insufficient to determine the role of this variant in disease. Therefore, it has been classified as a Variant of Uncertain Significance.

NM_000465.4(BARD1):c.1118G>C (p.Gly373Ala)

Gene: BARD1 (BRCA1 associated RING domain 1; minus strand). Cytogenetic location: 2q35.
Variant type: single nucleotide variant.
Coding change: c.1118G>C on transcript NM_000465.4 (MANE Select); coding-DNA position 1118, G replaced by C.
Protein change: p.Gly373Ala; replaces glycine 373 with alanine.
Molecular consequence: missense variant. On other transcripts: non-coding transcript variant (2), intron variant (3).
Genome position (GRCh38, 1-based): chr2:214,780,756, C>G on the plus strand (G>C on the coding strand, the complement: BARD1 is on the minus strand). VCF-style: chr2-214780756-C-G. GRCh37 (hg19) VCF-style: chr2-215645480-C-G.
Other names: c.1061G>C, p.Gly354Ala (NM_001282543.2); c.159-28201G>C (NM_001282548.2); c.215+16305G>C (NM_001282545.2); c.364+11541G>C (NM_001282549.2); short protein forms G354A, G373A.
Identifiers: ClinVar variation 2133853 (VCV002133853.4), dbSNP rs568305044, ClinGen allele CA350454021.
Genomic context (GRCh38, chr2:214,780,756, plus strand): 5'-CCTGGTGAAAGACTAATGAATTCATCGGACATGTTACTGTTTTTCCTCCCTGATGTACCA[C>G]CAACTTTACGTTTGCATGAAGGTGGTGAAGAACATTCAGGCAATGGTATATTTTCTGAGG-3'
Protein context (NP_000456.2, residues 363-383): SSPPSCKRKV[Gly373Ala]GTSGRKNSNM